The following is an entry in ClinVar:

ClinVar aggregate classification (germline): Uncertain significance (1 of 4 stars; one submission).

Submission:

GeneDx
Classification: Uncertain significance. Last evaluated: 2024-02-08. Review status: criteria provided, single submitter. Criteria: GeneDx Variant Classification Process June 2021. Collection method: clinical testing. Allele origin: germline. Affected: yes.
Comment: In silico analysis supports that this missense variant does not alter protein structure/function; Has not been previously published as pathogenic or benign to our knowledge

NM_015330.6(SPECC1L):c.1786A>C (p.Ile596Leu)

Genes: SPECC1L (sperm antigen with calponin homology and coiled-coil domains 1 like; plus strand), SPECC1L-ADORA2A (SPECC1L-ADORA2A readthrough (NMD candidate); plus strand). Cytogenetic location: 22q11.23.
Variant type: single nucleotide variant.
Coding change: c.1786A>C on transcript NM_015330.6 (MANE Select); coding-DNA position 1786, A replaced by C.
Protein change: p.Ile596Leu; replaces isoleucine 596 with leucine.
Molecular consequence: missense variant. On other transcripts: non-coding transcript variant (1).
Genome position (GRCh38, 1-based): chr22:24,322,766, A>C. VCF-style: chr22-24322766-A-C. GRCh37 (hg19) VCF-style: chr22-24718734-A-C.
Other names: c.1786A>C, p.Ile596Leu (NM_001145468.4, NM_001254732.3); short protein forms I596L.
Identifiers: ClinVar variation 3369066 (VCV003369066.1).
Genomic context (GRCh38, chr22:24,322,766, plus strand): 5'-ATGAATCGCCTGAAGGCTCAGCTGGAGAATGAAAAGCAGAAAGTGGCAGAGCTGTATTCT[A>C]TCCATAACTCTGGAGACAAATCTGATATTCAGGACCTCCTGGAGAGTGTCAGGCTGGACA-3'
Protein context (NP_056145.5, residues 586-606): EKQKVAELYS[Ile596Leu]HNSGDKSDIQ